The following is an entry in ClinVar:

NM_001723.7(DST):c.3478G>C (p.Glu1160Gln)

Gene: DST (dystonin; minus strand). Cytogenetic location: 6p12.1.
Variant type: single nucleotide variant.
Coding change: c.3478G>C on transcript NM_001723.7 (MANE Plus Clinical); coding-DNA position 3478, G replaced by C.
Protein change: p.Glu1160Gln; replaces glutamic acid 1160 with glutamine.
Molecular consequence: missense variant. On other transcripts: intron variant (10).
Genome position (GRCh38, 1-based): chr6:56,620,556, C>G on the plus strand (G>C on the coding strand, the complement: DST is on the minus strand). VCF-style: chr6-56620556-C-G. GRCh37 (hg19) VCF-style: chr6-56485354-C-G.
Other names: c.4830+3974G>C (NM_001144769.5); c.4929+3974G>C (NM_001374722.1, NM_001374736.1); c.4956+3974G>C (NM_001374734.1); c.4416+3974G>C (NM_001144770.2); c.4296+3974G>C (NM_001374730.1, NM_001386100.1, NM_183380.4 and 1 more transcripts); c.3318+3974G>C (NM_015548.5); short protein forms E1160Q.
Identifiers: ClinVar variation 541435 (VCV000541435.6), dbSNP rs1469921824, ClinGen allele CA364571818.
Genomic context (GRCh38, chr6:56,620,556, plus strand): 5'-CTACATTTCTCTGCTGCTTTCTCAATTCATTTTCTGCAGCCTCCCTGACCTTCGGAAGTT[C>G]TTCCTCTACTCGGGACTTTTGTTTCTTTAGTTCAGCTACCATTCTTTCCAACTCACTTAT-3'
Protein context (NP_001714.1, residues 1150-1170): LKKQKSRVEE[Glu1160Gln]LPKVREAAEN

ClinVar aggregate classification (germline): Uncertain significance (1 of 4 stars; one submission).

Conditions:
Hereditary sensory and autonomic neuropathy type 6. Also called: HSAN VI; Neuropathy, hereditary sensory and autonomic, type VI. Identifiers: Orphanet 314381, MedGen C3539003, MONDO:0013839, OMIM 614653.
Epidermolysis bullosa simplex 3, localized or generalized intermediate, with BP230 deficiency (EBS3). Also called: Epidermolysis bullosa simplex, autosomal recessive 2; Epidermolysis bullosa simplex due to BP230 deficiency. Identifiers: Orphanet 412181, MedGen C3809470, MONDO:0014180, OMIM 615425.

Allele frequency attached by ClinVar (database versions not stated): gnomAD 0.00001; gnomAD exomes 0.00001; TOPMed 0.00002.
gnomAD v4.1: 23 of 1,613,916 alleles (0.0014%); highest among the groups gnomAD compares: Non-Finnish European, 0.0019%; no homozygotes.

Submission:

Labcorp Genetics (formerly Invitae), Labcorp
Classification: Uncertain significance for Epidermolysis bullosa simplex 3, localized or generalized intermediate, with BP230 deficiency; Hereditary sensory and autonomic neuropathy type 6. Last evaluated: 2021-08-27. Review status: criteria provided, single submitter. Criteria: Invitae Variant Classification Sherloc (09022015). Collection method: clinical testing. Allele origin: germline.
Comment: This sequence change replaces glutamic acid with glutamine at codon 1160 of the DST protein (p.Glu1160Gln). The glutamic acid residue is moderately conserved and there is a small physicochemical difference between glutamic acid and glutamine. This variant is not present in population databases (ExAC no frequency). This variant has not been reported in the literature in individuals affected with DST-related conditions. Algorithms developed to predict the effect of missense changes on protein structure and function are either unavailable or do not agree on the potential impact of this missense change (SIFT: "Tolerated"; PolyPhen-2: "Probably Damaging"; Align-GVGD: "Class C0"). In summary, the available evidence is currently insufficient to determine the role of this variant in disease. Therefore, it has been classified as a Variant of Uncertain Significance.